The following is an entry in ClinVar:

ClinVar aggregate classification (germline): Uncertain significance (1 of 4 stars; one submission).

gnomAD v4.1: 1 of 1,614,118 alleles (0.000062%); highest among the groups gnomAD compares: Non-Finnish European, 0.000085%; no homozygotes.

Submission:

GeneDx
Classification: Uncertain significance. Last evaluated: 2025-11-23. Review status: criteria provided, single submitter. Criteria: GeneDx Variant Classification Process June 2021. Collection method: clinical testing. Allele origin: germline.
Comment: Not observed at significant frequency in large population cohorts (gnomAD); In silico analysis supports that this missense variant has a deleterious effect on protein structure/function; Has not been previously published as pathogenic or benign to our knowledge

NM_000748.3(CHRNB2):c.646C>A (p.Pro216Thr)

Gene: CHRNB2 (cholinergic receptor nicotinic beta 2 subunit; plus strand). Cytogenetic location: 1q21.3.
Variant type: single nucleotide variant.
Coding change: c.646C>A on transcript NM_000748.3 (MANE Select); coding-DNA position 646, C replaced by A.
Protein change: p.Pro216Thr; replaces proline 216 with threonine.
Molecular consequence: missense variant.
Genome position (GRCh38, 1-based): chr1:154,571,469, C>A. VCF-style: chr1-154571469-C-A. GRCh37 (hg19) VCF-style: chr1-154543945-C-A.
Other names: short protein forms P216T.
Identifiers: ClinVar variation 4527536 (VCV004527536.2).